The following is an entry in ClinVar:

ClinVar aggregate classification (germline): Uncertain significance (1 of 4 stars; one submission).

Conditions:
Xanthinuria type II. Also called: Xanthine dehydrogenase and aldehyde oxidase combined deficiency of; XDH and AOX dual deficiency. Identifiers: Orphanet 3467, Orphanet 93602, MedGen C1863688, MONDO:0011346, OMIM 603592.

gnomAD v4.1: 1 of 1,614,186 alleles (0.000062%); highest among the groups gnomAD compares: Non-Finnish European, 0.000085%; no homozygotes.

Submission:

Labcorp Genetics (formerly Invitae), Labcorp
Classification: Uncertain significance for Xanthinuria type II. Last evaluated: 2023-05-25. Review status: criteria provided, single submitter. Criteria: Invitae Variant Classification Sherloc (09022015). Collection method: clinical testing. Allele origin: germline.
Comment: In summary, the available evidence is currently insufficient to determine the role of this variant in disease. Therefore, it has been classified as a Variant of Uncertain Significance. An algorithm developed to predict the effect of missense changes on protein structure and function (PolyPhen-2) suggests that this variant is likely to be tolerated. This variant has not been reported in the literature in individuals affected with XDH-related conditions. This variant is not present in population databases (gnomAD no frequency). This sequence change replaces cysteine, which is neutral and slightly polar, with serine, which is neutral and polar, at codon 650 of the XDH protein (p.Cys650Ser).

NM_000379.4(XDH):c.1949G>C (p.Cys650Ser)

Gene: XDH (xanthine dehydrogenase; minus strand). Cytogenetic location: 2p23.1.
Variant type: single nucleotide variant.
Coding change: c.1949G>C on transcript NM_000379.4 (MANE Select); coding-DNA position 1949, G replaced by C.
Protein change: p.Cys650Ser; replaces cysteine 650 with serine.
Molecular consequence: missense variant.
Genome position (GRCh38, 1-based): chr2:31,370,386, C>G on the plus strand (G>C on the coding strand, the complement: XDH is on the minus strand). VCF-style: chr2-31370386-C-G. GRCh37 (hg19) VCF-style: chr2-31593252-C-G.
Other names: short protein forms C650S.
Identifiers: ClinVar variation 2994942 (VCV002994942.3), dbSNP rs1457264071, ClinGen allele CA346506121.